The following is an entry in ClinVar:

NM_001162501.2(TNRC6B):c.878T>C (p.Ile293Thr)

Gene: TNRC6B (trinucleotide repeat containing adaptor 6B; plus strand). Cytogenetic location: 22q13.1.
Variant type: single nucleotide variant.
Coding change: c.878T>C on transcript NM_001162501.2 (MANE Select); coding-DNA position 878, T replaced by C.
Protein change: p.Ile293Thr; replaces isoleucine 293 with threonine.
Molecular consequence: missense variant. On other transcripts: intron variant (1).
Genome position (GRCh38, 1-based): chr22:40,265,108, T>C. VCF-style: chr22-40265108-T-C. GRCh37 (hg19) VCF-style: chr22-40661112-T-C.
Other names: c.878T>C, p.Ile293Thr (NM_015088.3); c.565+2935T>C (NM_001024843.2); short protein forms I293T.
Identifiers: ClinVar variation 3180727 (VCV003180727.21), dbSNP rs73165082, ClinGen allele CA10246596.

ClinVar aggregate classification (germline): Conflicting classifications of pathogenicity. Review status: criteria provided, conflicting classifications (1 of 4 stars). 2 submissions from 2 submitters: Uncertain significance (1); Likely benign (1). Last evaluated 2024-04-01.

Conditions:
Inborn genetic diseases. Identifiers: MedGen C0950123, MeSH D030342.

Allele frequency attached by ClinVar (database versions not stated): TOPMed 0.00003; gnomAD 0.00004; ExAC 0.00008; ESP Exome Variant Server 0.00008; gnomAD exomes 0.00008; 1000 Genomes Project 0.00020; 1000 Genomes Project 30x 0.00031.
gnomAD v4.1: 119 of 1,613,962 alleles (0.0074%); highest among the groups gnomAD compares: South Asian, 0.043%; 1 homozygote.

Submissions (2):

CeGaT Center for Human Genetics Tuebingen
Classification: Uncertain significance. Last evaluated: 2024-04-01. Review status: criteria provided, single submitter. Criteria: CeGaT Center For Human Genetics Tuebingen Variant Classification Criteria Version 2. Collection method: clinical testing. Allele origin: germline. Affected: yes. Observed: 1 variant allele.
Comment: TNRC6B: PM2:Supporting, BP4

Ambry Genetics
Classification: Likely benign for Inborn genetic diseases. Last evaluated: 2023-12-20. Review status: criteria provided, single submitter. Criteria: Ambry Variant Classification Scheme 2023. Collection method: clinical testing. Allele origin: germline.